The following is an entry in ClinVar:

NM_054027.6(ANKH):c.1141+5A>G

Gene: ANKH (ANKH inorganic pyrophosphate transport regulator; minus strand). Cytogenetic location: 5p15.2.
Variant type: single nucleotide variant.
Coding change: c.1141+5A>G on transcript NM_054027.6 (MANE Select); 5 bases into the intron after coding-DNA position 1141, A replaced by G.
Molecular consequence: intron variant.
Genome position (GRCh38, 1-based): chr5:14,716,701, T>C on the plus strand (A>G on the coding strand, the complement: ANKH is on the minus strand). VCF-style: chr5-14716701-T-C. GRCh37 (hg19) VCF-style: chr5-14716810-T-C.
Identifiers: ClinVar variation 199179 (VCV000199179.20), dbSNP rs187972211, ClinGen allele CA248248.

ClinVar aggregate classification (germline): Conflicting classifications of pathogenicity. Review status: criteria provided, conflicting classifications (1 of 4 stars). 5 submissions from 4 submitters: Uncertain significance (1); Benign (2); Likely benign (2). Last evaluated 2025-01-20.

Conditions:
Craniometaphyseal dysplasia, autosomal dominant (CMDD). Identifiers: Orphanet 1522, MedGen C1852502, MONDO:0007397, OMIM 123000.
Chondrocalcinosis 2. Also called: CALCIUM GOUT; CALCIUM PYROPHOSPHATE ARTHROPATHY; Familial calcium pyrophosphate deposition. Identifiers: Orphanet 1416, MedGen C0856830, MONDO:0007319, OMIM 118600.

Allele frequency attached by ClinVar (database versions not stated): gnomAD exomes 0.00004 and 0.00011; ExAC 0.00014; gnomAD 0.00030 and 0.00035; TOPMed 0.00045; ESP Exome Variant Server 0.00054; 1000 Genomes Project 30x 0.00094; 1000 Genomes Project 0.00120.
gnomAD v4.1: 122 of 1,614,006 alleles (0.0076%); highest among the groups gnomAD compares: African/African-American, 0.13%; no homozygotes.

Submissions (5):

Labcorp Genetics (formerly Invitae), Labcorp
Classification: Likely benign. Last evaluated: 2025-01-20. Review status: criteria provided, single submitter. Criteria: Invitae Variant Classification Sherloc (09022015). Collection method: clinical testing. Allele origin: germline.

GeneDx
Classification: Likely benign. Last evaluated: 2019-11-18. Review status: criteria provided, single submitter. Criteria: GeneDx Variant Classification Process June 2021. Collection method: clinical testing. Allele origin: germline. Affected: yes.

Illumina Laboratory Services, Illumina
Classification: Benign for Chondrocalcinosis 2. Last evaluated: 2018-01-13. Review status: criteria provided, single submitter. Criteria: ICSL Variant Classification Criteria 13 December 2019. Collection method: clinical testing. Allele origin: germline.
Comment: This variant was observed in the ICSL laboratory as part of a predisposition screen in an ostensibly healthy population. It had not been previously curated by ICSL or reported in the Human Gene Mutation Database (HGMD: prior to June 1st, 2018), and was therefore a candidate for classification through an automated scoring system. Utilizing variant allele frequency, disease prevalence and penetrance estimates, and inheritance mode, an automated score was calculated to assess if this variant is too frequent to cause the disease. Based on the score and internal cut-off values, a variant classified as benign is not then subjected to further curation. The score for this variant resulted in a classification of benign for this disease.

Illumina Laboratory Services, Illumina
Classification: Benign for Craniometaphyseal dysplasia, autosomal dominant. Last evaluated: 2018-01-13. Review status: criteria provided, single submitter. Criteria: ICSL Variant Classification Criteria 13 December 2019. Collection method: clinical testing. Allele origin: germline.
Comment: the same text as in the submission from Illumina Laboratory Services, Illumina above.

Eurofins Ntd Llc (ga)
Classification: Uncertain significance. Last evaluated: 2015-01-06. Review status: criteria provided, single submitter. Criteria: EGL Classification Definitions 2015. Collection method: clinical testing. Allele origin: germline. Observed: 1 variant allele, 1 heterozygote.